The following is an entry in ClinVar:

ClinVar aggregate classification (germline): Uncertain significance (1 of 4 stars; one submission).

Conditions:
Aneurysm-osteoarthritis syndrome. Also called: SMAD3-Related Loeys-Dietz Syndrome; ANEURYSMS-OSTEOARTHRITIS SYNDROME; Loeys-Dietz syndrome, type 1C; LOEYS-DIETZ SYNDROME WITH OSTEOARTHRITIS. Identifiers: Orphanet 284984, MedGen C3151087, MONDO:0013426, OMIM 613795.

Allele frequency attached by ClinVar (database versions not stated): TOPMed below 0.00001; gnomAD 0.00001; gnomAD exomes 0.00001.
gnomAD v4.1: 5 of 1,586,672 alleles (0.00032%); highest among the groups gnomAD compares: Non-Finnish European, 0.00043%; no homozygotes.

Submission:

All of Us Research Program, National Institutes of Health
Classification: Uncertain significance for Aneurysm-osteoarthritis syndrome. Last evaluated: 2023-05-04. Review status: criteria provided, single submitter. Criteria: ACMG Guidelines, 2015. Collection method: clinical testing. Allele origin: germline. Inheritance: Autosomal dominant inheritance. Observed: 1 variant allele, 1 heterozygote.
Comment: This variant changes a single nucleotide in the 5' untranslated region of the SMAD3 gene. To our knowledge, functional studies have not been reported for this variant. This variant has not been reported in individuals affected with SMAD3-related disorders in the literature. This variant has not been identified in the general population by the Genome Aggregation Database (gnomAD). The available evidence is insufficient to determine the role of this variant in disease conclusively. Therefore, this variant is classified as a Variant of Uncertain Significance.

This study involves interpretation of variants in research participants for the purpose of population health screening. Participant phenotype was not available at the time of variant classification. Additional details can be found in publication PMID: 35346344, PMCID: PMC8962531

NM_005902.4(SMAD3):c.-5C>A

Genes: SMAD3 (SMAD family member 3; plus strand), LOC130057352 (ATAC-STARR-seq lymphoblastoid silent region 6574; plus strand). Cytogenetic location: 15q22.33.
Variant type: single nucleotide variant.
Coding change: c.-5C>A on transcript NM_005902.4 (MANE Select); 5 bases upstream of the start codon, C replaced by A.
Molecular consequence: 5 prime UTR variant.
Genome position (GRCh38, 1-based): chr15:67,066,150, C>A. VCF-style: chr15-67066150-C-A. GRCh37 (hg19) VCF-style: chr15-67358488-C-A.
Other names: c.-5C>A (NM_001407011.1, NM_001407012.1, NM_001407013.1).
Identifiers: ClinVar variation 3070801 (VCV003070801.1), dbSNP rs1292391353, ClinGen allele CA715073803.